The following is an entry in ClinVar:

NM_005144.5(HR):c.27G>A (p.Lys9=)

Gene: HR (HR lysine demethylase and nuclear receptor corepressor; minus strand). Cytogenetic location: 8p21.3.
Variant type: single nucleotide variant.
Coding change: c.27G>A on transcript NM_005144.5 (MANE Select); coding-DNA position 27, G replaced by A.
Protein change: p.Lys9=; no amino-acid change (lysine 9 retained).
Molecular consequence: synonymous variant.
Genome position (GRCh38, 1-based): chr8:22,129,144, C>T on the plus strand (G>A on the coding strand, the complement: HR is on the minus strand). VCF-style: chr8-22129144-C-T. GRCh37 (hg19) VCF-style: chr8-21986657-C-T.
Other names: c.27G>A, p.Lys9= (NM_018411.4).
Identifiers: ClinVar variation 362534 (VCV000362534.13), dbSNP rs77620102, ClinGen allele CA4662811.

ClinVar aggregate classification (germline): Benign. Review status: criteria provided, multiple submitters, no conflicts (2 of 4 stars). 4 submissions from 3 submitters: Benign (4). Last evaluated 2026-01-28.

Conditions:
Atrichia with papular lesions (APL). Also called: PAPULAR ATRICHIA. Identifiers: Orphanet 86819, MedGen C1859592, MONDO:0008847, OMIM 209500.
Alopecia universalis congenita (ALUNC). Also called: ATRICHIA, GENERALIZED. Identifiers: Orphanet 701, MedGen C1859877, MONDO:0008757, OMIM 203655.

Allele frequency attached by ClinVar (database versions not stated): gnomAD exomes 0.00313 and 0.00996; ExAC 0.01091; gnomAD 0.02825 and 0.03021; 1000 Genomes Project 0.02975; ESP Exome Variant Server 0.03052; TOPMed 0.03078; 1000 Genomes Project 30x 0.03264.
gnomAD v4.1: 8,840 of 1,548,222 alleles (0.57%); highest among the groups gnomAD compares: African/African-American, 9.5%; 347 homozygotes.

Submissions (4):

Labcorp Genetics (formerly Invitae), Labcorp
Classification: Benign. Last evaluated: 2026-01-28. Review status: criteria provided, single submitter. Criteria: Invitae Variant Classification Sherloc (09022015). Collection method: clinical testing. Allele origin: germline.

Illumina Laboratory Services, Illumina
Classification: Benign for Atrichia with papular lesions. Last evaluated: 2018-01-12. Review status: criteria provided, single submitter. Criteria: ICSL Variant Classification Criteria 13 December 2019. Collection method: clinical testing. Allele origin: germline.
Comment: This variant was observed in the ICSL laboratory as part of a predisposition screen in an ostensibly healthy population. It had not been previously curated by ICSL or reported in the Human Gene Mutation Database (HGMD: prior to June 1st, 2018), and was therefore a candidate for classification through an automated scoring system. Utilizing variant allele frequency, disease prevalence and penetrance estimates, and inheritance mode, an automated score was calculated to assess if this variant is too frequent to cause the disease. Based on the score and internal cut-off values, a variant classified as benign is not then subjected to further curation. The score for this variant resulted in a classification of benign for this disease.

Illumina Laboratory Services, Illumina
Classification: Benign for Alopecia universalis congenita. Last evaluated: 2018-01-12. Review status: criteria provided, single submitter. Criteria: ICSL Variant Classification Criteria 13 December 2019. Collection method: clinical testing. Allele origin: germline.
Comment: the same text as in the submission from Illumina Laboratory Services, Illumina above.

Breakthrough Genomics
Classification: Benign. Review status: criteria provided, single submitter. Criteria: ACMG Guidelines, 2015. Collection method: not provided. Allele origin: germline. Inheritance: Autosomal recessive inheritance. Affected: yes.